The following is an entry in ClinVar:

NM_001110556.2(FLNA):c.3915G>A (p.Thr1305=)

Gene: FLNA (filamin A; minus strand). Cytogenetic location: Xq28.
Variant type: single nucleotide variant.
Coding change: c.3915G>A on transcript NM_001110556.2 (MANE Select); coding-DNA position 3915, G replaced by A.
Protein change: p.Thr1305=; no amino-acid change (threonine 1305 retained).
Molecular consequence: synonymous variant.
Genome position (GRCh38, 1-based): chrX:154,359,796, C>T on the plus strand (G>A on the coding strand, the complement: FLNA is on the minus strand). VCF-style: chrX-154359796-C-T. GRCh37 (hg19) VCF-style: chrX-153588164-C-T.
Other names: p.T1305T:ACG>ACA; p.Thr1305=; c.3915G>A, p.Thr1305= (NM_001456.4); c.3915G>A (NM_001110556.1).
Identifiers: ClinVar variation 137386 (VCV000137386.62), dbSNP rs201488545, ClinGen allele CA319732.
Genomic context (GRCh38, chrX:154,359,796, plus strand): 5'-CTCGTAAGGCGTGTACTCCACTTTGTACATGCCATCGCCACGGTCCTGAACGTAGGTCTC[C>T]GTCAGGTTGCCTGAGGGGTTGGCCACACGGGCCTTGACGTGCGGCCCTCCGGTCTGTGTC-3'
Protein context (NP_001104026.1, residues 1295-1315): ARVANPSGNL[Thr1305=]ETYVQDRGDG

ClinVar aggregate classification (germline): Benign/Likely benign. Review status: criteria provided, multiple submitters, no conflicts (2 of 4 stars). 15 submissions from 15 submitters: Benign (5); Likely benign (6). 4 of the submissions do not count toward it. Last evaluated 2026-02-02.

Conditions:
Heterotopia, periventricular, X-linked dominant (PVNH1). Also called: PERIVENTRICULAR NODULAR HETEROTOPIA 4; HETEROTOPIA, PERIVENTRICULAR, 1; PERIVENTRICULAR NODULAR HETEROTOPIA 1; X-linked periventricular heterotopia. Identifiers: Orphanet 2149, Orphanet 82004, MedGen C1848213, MONDO:0010233, OMIM 300049.
Melnick-Needles syndrome (MNS). Also called: Melnick-Needles Syndrome (FLNA-MNS); OSTEODYSPLASTY OF MELNICK AND NEEDLES; MELNICK-NEEDLES OSTEODYSPLASTY. Identifiers: Orphanet 2484, MedGen C0025237, MONDO:0010650, OMIM 309350.
Frontometaphyseal dysplasia (FMD1). Identifiers: Orphanet 1826, MedGen C0265293, MONDO:0015942.
Oto-palato-digital syndrome, type II (OPD2). Also called: Otopalatodigital Syndrome, Type II; Otopalatodigital Syndrome Type 2 (FLNA-OPD2); OPD II SYNDROME; FACIOPALATOOSSEOUS SYNDROME. Identifiers: Orphanet 669, Orphanet 90652, MedGen C1844696, MONDO:0010571, OMIM 304120.
FLNA-related disorder.
Familial thoracic aortic aneurysm and aortic dissection (TAAD). Also called: Thoracic aortic aneurysms and dissections. Identifiers: Orphanet 91387, MedGen C4707243, MONDO:0019625.

Allele frequency attached by ClinVar (database versions not stated): ExAC 0.00036; gnomAD exomes 0.00043 and 0.00064; TOPMed 0.00043; gnomAD 0.00054 and 0.00056; ESP Exome Variant Server 0.00058.
gnomAD v4.1: 745 of 1,209,310 alleles (0.062%); highest among the groups gnomAD compares: Non-Finnish European, 0.08%; no homozygotes.

Submissions (15):

Labcorp Genetics (formerly Invitae), Labcorp
Classification: Likely benign for Oto-palato-digital syndrome, type II; Heterotopia, periventricular, X-linked dominant; Frontometaphyseal dysplasia; Melnick-Needles syndrome. Last evaluated: 2026-02-02. Review status: criteria provided, single submitter. Criteria: Invitae Variant Classification Sherloc (09022015). Collection method: clinical testing. Allele origin: germline.

Molecular Diagnostic Laboratory for Inherited Cardiovascular Disease, Montreal Heart Institute
Classification: Likely benign. Last evaluated: 2025-04-09. Review status: criteria provided, single submitter. Criteria: ACMG Guidelines, 2015. Collection method: clinical testing. Allele origin: germline. Affected: no.

Laboratory of Genetics, Children's Clinical University Hospital Latvia
Classification: Benign. Last evaluated: 2025-02-16. Review status: criteria provided, single submitter. Criteria: ACMG Guidelines, 2015. Collection method: clinical testing. Allele origin: germline. Affected: yes.

Blueprint Genetics
Classification: Likely benign. Last evaluated: 2024-11-25. Review status: criteria provided, single submitter. Criteria: ACMG Guidelines, 2015. Collection method: clinical testing. Allele origin: germline.

Mayo Clinic Laboratories, Mayo Clinic
Classification: Benign. Last evaluated: 2024-06-25. Review status: criteria provided, single submitter. Criteria: ACMG Guidelines, 2015. Collection method: clinical testing. Allele origin: germline. Observed: 15 variant alleles.
Comment: BS1, BS2, BP4, BP7

Women's Health and Genetics/Laboratory Corporation of America, LabCorp
Classification: Benign. Last evaluated: 2024-03-30. Review status: criteria provided, single submitter. Criteria: LabCorp Variant Classification Summary - May 2015. Collection method: clinical testing. Allele origin: germline.

Ambry Genetics
Classification: Likely benign for Familial thoracic aortic aneurysm and aortic dissection. Last evaluated: 2023-10-10. Review status: criteria provided, single submitter. Criteria: Ambry Variant Classification Scheme 2023. Collection method: clinical testing. Allele origin: germline.

ARUP Laboratories, Molecular Genetics and Genomics, ARUP Laboratories
Classification: Benign. Last evaluated: 2023-04-25. Review status: criteria provided, single submitter. Criteria: ARUP Molecular Germline Variant Investigation Process 2024. Collection method: clinical testing. Allele origin: germline.

CeGaT Center for Human Genetics Tuebingen
Classification: Likely benign. Last evaluated: 2022-12-01. Review status: criteria provided, single submitter. Criteria: CeGaT Center For Human Genetics Tuebingen Variant Classification Criteria Version 2. Collection method: clinical testing. Allele origin: germline. Affected: yes. Observed: 2 variant alleles.
Comment: FLNA: BP4, BP7, BS2

Genetic Services Laboratory, University of Chicago
Classification: Likely benign. Last evaluated: 2015-05-18. Review status: criteria provided, single submitter. Criteria: ACMG Guidelines, 2015. Collection method: clinical testing. Allele origin: germline.

GeneDx
Classification: Benign. Last evaluated: 2014-06-09. Review status: criteria provided, single submitter. Criteria: GeneDx Variant Classification (06012015). Collection method: clinical testing. Allele origin: germline. Affected: yes.
Comment: This variant is considered likely benign or benign based on one or more of the following criteria: it is a conservative change, it occurs at a poorly conserved position in the protein, it is predicted to be benign by multiple in silico algorithms, and/or has population frequency not consistent with disease.

PreventionGenetics, part of Exact Sciences
Classification: Likely benign for FLNA-related condition. Last evaluated: 2019-12-30. Review status: no assertion criteria provided. Collection method: clinical testing. Allele origin: germline. Not counted in ClinVar's aggregate classification.
Comment: This variant is classified as likely benign based on ACMG/AMP sequence variant interpretation guidelines (Richards et al. 2015 PMID: 25741868, with internal and published modifications).

Clinical Genetics DNA and cytogenetics Diagnostics Lab, Erasmus MC, Erasmus Medical Center
Classification: Likely benign. Review status: no assertion criteria provided. Collection method: clinical testing. Allele origin: germline. Affected: yes. Study: VKGL Data-share Consensus. Not counted in ClinVar's aggregate classification.

Genome Diagnostics Laboratory, Amsterdam University Medical Center
Classification: Benign. Review status: no assertion criteria provided. Collection method: clinical testing. Allele origin: germline. Affected: yes. Study: VKGL Data-share Consensus. Not counted in ClinVar's aggregate classification.

Genome Diagnostics Laboratory, University Medical Center Utrecht
Classification: Likely benign. Review status: no assertion criteria provided. Collection method: clinical testing. Allele origin: germline. Affected: yes. Study: VKGL Data-share Consensus. Not counted in ClinVar's aggregate classification.